The following is an entry in ClinVar:

NM_024675.4(PALB2):c.2391A>G (p.Gln797=)

Gene: PALB2 (partner and localizer of BRCA2; minus strand). Cytogenetic location: 16p12.2.
Variant type: single nucleotide variant.
Coding change: c.2391A>G on transcript NM_024675.4 (MANE Select); coding-DNA position 2391, A replaced by G.
Protein change: p.Gln797=; no amino-acid change (glutamine 797 retained).
Molecular consequence: synonymous variant.
Genome position (GRCh38, 1-based): chr16:23,629,763, T>C on the plus strand (A>G on the coding strand, the complement: PALB2 is on the minus strand). VCF-style: chr16-23629763-T-C. GRCh37 (hg19) VCF-style: chr16-23641084-T-C.
Identifiers: ClinVar variation 389595 (VCV000389595.13), dbSNP rs780015674, ClinGen allele CA7963585.

ClinVar aggregate classification (germline): Benign/Likely benign. Review status: criteria provided, multiple submitters, no conflicts (2 of 4 stars). 4 submissions from 4 submitters: Benign (1); Likely benign (3). Last evaluated 2026-02-03.

Conditions:
Hereditary cancer-predisposing syndrome. Also called: Hereditary Cancer Syndrome; Hereditary neoplastic syndrome; Neoplastic Syndromes, Hereditary; Tumor predisposition. Identifiers: Orphanet 140162, MedGen C0027672, MeSH D009386, MONDO:0015356.
Familial cancer of breast. Also called: Hereditary breast cancer; hereditary breast carcinoma; BREAST CANCER, FAMILIAL. Identifiers: Orphanet 227535, MedGen C0346153, MONDO:0016419, OMIM 114480. Disease mechanism: loss of function.

Allele frequency attached by ClinVar (database versions not stated): gnomAD exomes below 0.00001 and 0.00001; ExAC 0.00001; gnomAD 0.00001.

Submissions (4):

Labcorp Genetics (formerly Invitae), Labcorp
Classification: Likely benign for Familial cancer of breast. Last evaluated: 2026-02-03. Review status: criteria provided, single submitter. Criteria: Invitae Variant Classification Sherloc (09022015). Collection method: clinical testing. Allele origin: germline.

Myriad Genetics, Inc.
Classification: Benign for Familial cancer of breast. Last evaluated: 2025-01-16. Review status: criteria provided, single submitter. Criteria: Myriad Autosomal Dominant, Autosomal Recessive and X-Linked Classification Criteria (2023). Collection method: clinical testing. Allele origin: unknown.
Comment: This variant is considered benign. This variant is a silent/synonymous amino acid change and it is not expected to impact splicing.

GeneDx
Classification: Likely benign. Last evaluated: 2016-09-22. Review status: criteria provided, single submitter. Criteria: GeneDx Variant Classification (06012015). Collection method: clinical testing. Allele origin: germline. Affected: yes.
Comment: This variant is considered likely benign or benign based on one or more of the following criteria: it is a conservative change, it occurs at a poorly conserved position in the protein, it is predicted to be benign by multiple in silico algorithms, and/or has population frequency not consistent with disease.

Ambry Genetics
Classification: Likely benign for Hereditary cancer-predisposing syndrome. Last evaluated: 2015-12-21. Review status: criteria provided, single submitter. Criteria: Ambry Variant Classification Scheme 2023. Collection method: clinical testing. Allele origin: germline.